The following is an entry in ClinVar:

NM_002872.5(RAC2):c.140A>T (p.Asp47Val)

Gene: RAC2 (Rac family small GTPase 2; minus strand). Cytogenetic location: 22q13.1.
Variant type: single nucleotide variant.
Coding change: c.140A>T on transcript NM_002872.5 (MANE Select); coding-DNA position 140, A replaced by T.
Protein change: p.Asp47Val; replaces aspartic acid 47 with valine.
Molecular consequence: missense variant.
Genome position (GRCh38, 1-based): chr22:37,232,886, T>A on the plus strand (A>T on the coding strand, the complement: RAC2 is on the minus strand). VCF-style: chr22-37232886-T-A. GRCh37 (hg19) VCF-style: chr22-37628926-T-A.
Other names: short protein forms D47V.
Identifiers: ClinVar variation 2653114 (VCV002653114.24), dbSNP rs2517934025, ClinGen allele CA411443495.

ClinVar aggregate classification (germline): Uncertain significance (1 of 4 stars; one submission).

Submission:

CeGaT Center for Human Genetics Tuebingen
Classification: Uncertain significance. Last evaluated: 2022-08-01. Review status: criteria provided, single submitter. Criteria: CeGaT Center For Human Genetics Tuebingen Variant Classification Criteria Version 2. Collection method: clinical testing. Allele origin: germline. Affected: yes. Observed: 1 variant allele.
Comment: RAC2: PM2, PP3